The following is an entry in ClinVar:

ClinVar aggregate classification (germline): Uncertain significance (0 of 4 stars; one submission).

Conditions:
BBS12-related disorder. Also called: BBS12-related condition.

gnomAD v4.1: 1 of 1,614,256 alleles (0.000062%); highest among the groups gnomAD compares: Non-Finnish European, 0.000085%; no homozygotes.

Submission:

PreventionGenetics, part of Exact Sciences
Classification: Uncertain significance for BBS12-related condition. Last evaluated: 2024-05-15. Review status: no assertion criteria provided. Collection method: clinical testing. Allele origin: germline.
Comment: The BBS12 c.1267A>C variant is predicted to result in the amino acid substitution p.Ile423Leu. To our knowledge, this variant has not been reported in the literature or in a large population database, indicating this variant is rare. At this time, the clinical significance of this variant is uncertain due to the absence of conclusive functional and genetic evidence.

NM_152618.3(BBS12):c.1267A>C (p.Ile423Leu)

Gene: BBS12 (Bardet-Biedl syndrome 12; plus strand). Cytogenetic location: 4q27.
Variant type: single nucleotide variant.
Coding change: c.1267A>C on transcript NM_152618.3 (MANE Select); coding-DNA position 1267, A replaced by C.
Protein change: p.Ile423Leu; replaces isoleucine 423 with leucine.
Molecular consequence: missense variant.
Genome position (GRCh38, 1-based): chr4:122,743,159, A>C. VCF-style: chr4-122743159-A-C. GRCh37 (hg19) VCF-style: chr4-123664314-A-C.
Other names: c.1267A>C, p.Ile423Leu (NM_001178007.2); short protein forms I423L.
Identifiers: ClinVar variation 3345171 (VCV003345171.1).